The following is an entry in ClinVar:

NM_001961.4(EEF2):c.219-2A>G

Gene: EEF2 (eukaryotic translation elongation factor 2; minus strand). Cytogenetic location: 19p13.3.
Variant type: single nucleotide variant.
Coding change: c.219-2A>G on transcript NM_001961.4 (MANE Select); the canonical splice acceptor site of the intron before coding-DNA position 219, A replaced by G.
Molecular consequence: splice acceptor variant.
Genome position (GRCh38, 1-based): chr19:3,983,293, T>C on the plus strand (A>G on the coding strand, the complement: EEF2 is on the minus strand). VCF-style: chr19-3983293-T-C. GRCh37 (hg19) VCF-style: chr19-3983291-T-C.
Identifiers: ClinVar variation 3368994 (VCV003368994.1).

ClinVar aggregate classification (germline): Uncertain significance (1 of 4 stars; one submission).

gnomAD v4.1: 1 of 1,612,536 alleles (0.000062%); highest among the groups gnomAD compares: Non-Finnish European, 0.000085%; no homozygotes.

Submission:

GeneDx
Classification: Uncertain significance. Last evaluated: 2024-02-13. Review status: criteria provided, single submitter. Criteria: GeneDx Variant Classification Process June 2021. Collection method: clinical testing. Allele origin: germline. Affected: yes.
Comment: Not observed at significant frequency in large population cohorts (gnomAD); Canonical splice site variant in a gene or region of a gene for which loss of function is not a well-established mechanism of disease; Has not been previously published as pathogenic or benign to our knowledge